The following is an entry in ClinVar:

ClinVar aggregate classification (germline): Uncertain significance (1 of 4 stars; one submission).

Conditions:
Long QT syndrome (LQTS). Identifiers: MedGen C0023976, MeSH D008133, MONDO:0002442. Disease mechanism: loss of function. Inheritance: Various modes of inheritance.

Submission:

Labcorp Genetics (formerly Invitae), Labcorp
Classification: Uncertain significance for Long QT syndrome. Last evaluated: 2018-01-18. Review status: criteria provided, single submitter. Criteria: Invitae Variant Classification Sherloc (09022015). Collection method: clinical testing. Allele origin: germline.
Comment: This sequence change replaces proline with alanine at codon 922 of the CACNA1C protein (p.Pro922Ala). The proline residue is highly conserved and there is a small physicochemical difference between proline and alanine. This variant is not present in population databases (ExAC no frequency). This variant has not been reported in the literature in individuals with CACNA1C-related disease. Algorithms developed to predict the effect of missense changes on protein structure and function do not agree on the potential impact of this missense change (SIFT: "Deleterious"; PolyPhen-2: "Probably Damaging"; Align-GVGD: "Class C0"). In summary, the available evidence is currently insufficient to determine the role of this variant in disease. Therefore, it has been classified as a Variant of Uncertain Significance.

NM_000719.7(CACNA1C):c.2764C>G (p.Pro922Ala)

Gene: CACNA1C (calcium voltage-gated channel subunit alpha1 C; plus strand). Cytogenetic location: 12p13.33.
Variant type: single nucleotide variant.
Coding change: c.2764C>G on transcript NM_000719.7 (MANE Select); coding-DNA position 2764, C replaced by G.
Protein change: p.Pro922Ala; replaces proline 922 with alanine.
Molecular consequence: missense variant.
Genome position (GRCh38, 1-based): chr12:2,595,974, C>G. VCF-style: chr12-2595974-C-G. GRCh37 (hg19) VCF-style: chr12-2705140-C-G.
Other names: c.2764C>G, p.Pro922Ala (NM_001129827.2, NM_001129829.2, NM_001129830.3 and 18 more transcripts); c.2755C>G, p.Pro919Ala (NM_001129844.2); short protein forms P922A, P919A.
Identifiers: ClinVar variation 574023 (VCV000574023.9), dbSNP rs1568658701, ClinGen allele CA383372587.